The following is an entry in ClinVar:

NM_000548.5(TSC2):c.2912C>T (p.Ala971Val)

Gene: TSC2 (TSC complex subunit 2; plus strand). Cytogenetic location: 16p13.3.
Variant type: single nucleotide variant.
Coding change: c.2912C>T on transcript NM_000548.5 (MANE Select); coding-DNA position 2912, C replaced by T.
Protein change: p.Ala971Val; replaces alanine 971 with valine.
Molecular consequence: missense variant. On other transcripts: intron variant (9).
Genome position (GRCh38, 1-based): chr16:2,077,672, C>T. VCF-style: chr16-2077672-C-T. GRCh37 (hg19) VCF-style: chr16-2127673-C-T.
Other names: c.2912C>T, p.Ala971Val (NM_001114382.3); c.2837+1087C>T (NM_021055.3, NM_001370405.1, NM_001363528.2 and 2 more transcripts); c.2726+1087C>T (NM_001318827.2); c.2237+1087C>T (NM_001318831.2); c.2690+1087C>T (NM_001318829.2); c.2870+1087C>T (NM_001318832.2); short protein forms A971V.
Identifiers: ClinVar variation 639391 (VCV000639391.11), dbSNP rs1596375143, ClinGen allele CA394281267.

ClinVar aggregate classification (germline): Uncertain significance. Review status: criteria provided, multiple submitters, no conflicts (2 of 4 stars). 2 submissions from 2 submitters: Uncertain significance (2). Last evaluated 2024-03-27.

Conditions:
Hereditary cancer-predisposing syndrome. Also called: Hereditary Cancer Syndrome; Neoplastic Syndromes, Hereditary; Tumor predisposition; Hereditary neoplastic syndrome. Identifiers: Orphanet 140162, MedGen C0027672, MeSH D009386, MONDO:0015356.
Tuberous sclerosis 2 (TSC2). Identifiers: Orphanet 805, MedGen C1860707, MONDO:0013199, OMIM 613254.

Submissions (2):

Ambry Genetics
Classification: Uncertain significance for Hereditary cancer-predisposing syndrome. Last evaluated: 2024-03-27. Review status: criteria provided, single submitter. Criteria: Ambry Variant Classification Scheme 2023. Collection method: clinical testing. Allele origin: germline.
Comment: The p.A971V variant (also known as c.2912C>T), located in coding exon 25 of the TSC2 gene, results from a C to T substitution at nucleotide position 2912. The alanine at codon 971 is replaced by valine, an amino acid with similar properties. This variant has been reported in a large cohort of individuals with autism spectrum disorder, but clinical details were limited (Saskin A et al. J Hum Genet, 2017 Jun;62:657-659). This amino acid position is well conserved in available vertebrate species. In addition, this alteration is predicted to be deleterious by in silico analysis. Based on the available evidence, the clinical significance of this alteration remains unclear.

Labcorp Genetics (formerly Invitae), Labcorp
Classification: Uncertain significance for Tuberous sclerosis 2. Last evaluated: 2023-05-22. Review status: criteria provided, single submitter. Criteria: Invitae Variant Classification Sherloc (09022015). Collection method: clinical testing. Allele origin: germline.
Comment: In summary, the available evidence is currently insufficient to determine the role of this variant in disease. Therefore, it has been classified as a Variant of Uncertain Significance. Algorithms developed to predict the effect of sequence changes on RNA splicing suggest that this variant may disrupt the consensus splice site. Advanced modeling of protein sequence and biophysical properties (such as structural, functional, and spatial information, amino acid conservation, physicochemical variation, residue mobility, and thermodynamic stability) performed at Invitae indicates that this missense variant is not expected to disrupt TSC2 protein function. ClinVar contains an entry for this variant (Variation ID: 639391). This missense change has been observed in individual(s) with autism spectrum disorder (PMID: 28250423). This variant is not present in population databases (gnomAD no frequency). This sequence change replaces alanine, which is neutral and non-polar, with valine, which is neutral and non-polar, at codon 971 of the TSC2 protein (p.Ala971Val).

Literature cited by the submitters: PubMed 28250423 (cited by Ambry Genetics and Labcorp Genetics (formerly Invitae), Labcorp).